The following is an entry in ClinVar:

NM_000540.3(RYR1):c.1181A>G (p.Gln394Arg)

Gene: RYR1 (ryanodine receptor 1; plus strand). Cytogenetic location: 19q13.2.
Variant type: single nucleotide variant.
Coding change: c.1181A>G on transcript NM_000540.3 (MANE Select); coding-DNA position 1181, A replaced by G.
Protein change: p.Gln394Arg; replaces glutamine 394 with arginine.
Molecular consequence: missense variant.
Genome position (GRCh38, 1-based): chr19:38,451,822, A>G. VCF-style: chr19-38451822-A-G. GRCh37 (hg19) VCF-style: chr19-38942462-A-G.
Other names: c.1181A>G, p.Gln394Arg (NM_001042723.2); short protein forms Q394R.
Identifiers: ClinVar variation 3069931 (VCV003069931.1), dbSNP rs2514009882, ClinGen allele CA405683755.

ClinVar aggregate classification (germline): Uncertain significance (1 of 4 stars; one submission).

Conditions:
Malignant hyperthermia, susceptibility to, 1 (MHS1). Also called: RYR1-Related Malignant Hyperthermia Susceptibility; Anesthesia related hyperthermia; Malignant hyperpyrexia; Fulminating hyperpyrexia; Pharmacogenic myopathy; Malignant hyperthermia suceptibility 1. Identifiers: Orphanet 423, MedGen C2930980, MONDO:0007783, OMIM 145600.

Submission:

All of Us Research Program, National Institutes of Health
Classification: Uncertain significance for Malignant hyperthermia, susceptibility to, 1. Last evaluated: 2023-03-23. Review status: criteria provided, single submitter. Criteria: ACMG Guidelines, 2015. Collection method: clinical testing. Allele origin: germline. Inheritance: Autosomal dominant inheritance. Observed: 1 variant allele, 1 heterozygote.
Comment: This missense variant replaces glutamine with arginine at codon 394 of the RYR1 protein. Computational prediction suggests that this variant may not impact protein structure and function (internally defined REVEL score threshold <= 0.5, PMID: 27666373). To our knowledge, functional studies have not been reported for this variant. This variant has not been reported in individuals affected with RYR1-related disorders in the literature. This variant has not been identified in the general population by the Genome Aggregation Database (gnomAD). The available evidence is insufficient to determine the role of this variant in disease conclusively. Therefore, this variant is classified as a Variant of Uncertain Significance.

This study involves interpretation of variants in research participants for the purpose of population health screening. Participant phenotype was not available at the time of variant classification. Additional details can be found in publication PMID: 35346344, PMCID: PMC8962531